The following is an entry in ClinVar:

NM_000541.5(SAG):c.24C>T (p.Ser8=)

Gene: SAG (S-antigen visual arrestin; plus strand). Cytogenetic location: 2q37.1.
Variant type: single nucleotide variant.
Coding change: c.24C>T on transcript NM_000541.5 (MANE Select); coding-DNA position 24, C replaced by T.
Protein change: p.Ser8=; no amino-acid change (serine 8 retained).
Molecular consequence: synonymous variant.
Genome position (GRCh38, 1-based): chr2:233,309,213, C>T. VCF-style: chr2-233309213-C-T. GRCh37 (hg19) VCF-style: chr2-234217859-C-T.
Identifiers: ClinVar variation 2017019 (VCV002017019.4), dbSNP rs772914589, ClinGen allele CA2174175.
Genomic context (GRCh38, chr2:233,309,213, plus strand): 5'-CACCCCAAGGTGGTAGAAGTTGCCAGGGACAGATAACATGGCAGCCAGCGGGAAGACCAG[C>T]AAGTCCGAACCGAACCATGTTATCTTCAAGAAGATCTCCCGGGACAAATCGGTGAGTGGT-3'
Protein context (NP_000532.2, residues 1-18): MAASGKT[Ser8=]KSEPNHVIFK

ClinVar aggregate classification (germline): Uncertain significance (1 of 4 stars; one submission).

Allele frequency attached by ClinVar (database versions not stated): gnomAD exomes below 0.00001; ExAC 0.00001; TOPMed 0.00001.
gnomAD v4.1: 2 of 1,613,740 alleles (0.00012%); highest among the groups gnomAD compares: African/African-American, 0.0027%; no homozygotes.

Submission:

Labcorp Genetics (formerly Invitae), Labcorp
Classification: Uncertain significance. Last evaluated: 2022-07-14. Review status: criteria provided, single submitter. Criteria: Invitae Variant Classification Sherloc (09022015). Collection method: clinical testing. Allele origin: germline.
Comment: In summary, the available evidence is currently insufficient to determine the role of this variant in disease. Therefore, it has been classified as a Variant of Uncertain Significance. Algorithms developed to predict the effect of sequence changes on RNA splicing suggest that this variant may disrupt the consensus splice site. This variant has not been reported in the literature in individuals affected with SAG-related conditions. This variant is present in population databases (rs772914589, gnomAD 0.007%). This sequence change affects codon 8 of the SAG mRNA. It is a 'silent' change, meaning that it does not change the encoded amino acid sequence of the SAG protein.